The following is an entry in ClinVar:

NM_005087.4(FXR1):c.247A>G (p.Lys83Glu)

Gene: FXR1 (FMR1 autosomal homolog 1; plus strand). Cytogenetic location: 3q26.33.
Variant type: single nucleotide variant.
Coding change: c.247A>G on transcript NM_005087.4 (MANE Select); coding-DNA position 247, A replaced by G.
Protein change: p.Lys83Glu; replaces lysine 83 with glutamic acid.
Molecular consequence: missense variant. On other transcripts: 5 prime UTR variant (2).
Genome position (GRCh38, 1-based): chr3:180,947,913, A>G. VCF-style: chr3-180947913-A-G. GRCh37 (hg19) VCF-style: chr3-180665701-A-G.
Other names: c.247A>G, p.Lys83Glu (NM_001013438.3); c.-9A>G (NM_001013439.3, NM_001363882.1); short protein forms K83E.
Identifiers: ClinVar variation 986379 (VCV000986379.1), dbSNP rs1721862059, ClinGen allele CA355307710.

ClinVar aggregate classification (germline): Uncertain significance (1 of 4 stars; one submission).

Conditions:
Congenital myopathy. Identifiers: Orphanet 97245, MedGen C0270960, MONDO:0019952.

Submission:

Broad Center for Mendelian Genomics, Broad Institute of MIT and Harvard
Classification: Uncertain significance for Congenital myopathy. Last evaluated: 2020-11-16. Review status: criteria provided, single submitter. Criteria: ACMG Guidelines, 2015. Collection method: curation. Allele origin: germline. Inheritance: Autosomal dominant inheritance.
Comment: Trio exome analysis showed this variant to be de novo. The variant has not been previously reported in individuals with congenital myopathy and was absent from large population studies. Computational prediction tools, including splice predictors, and conservation analyses suggest that this variant may not impact the protein, though this information is not predictive enough to rule out pathogenicity. Furthermore, although this gene has been reported in association with congenital myopathy, it currently has limited evidence for these associations. In summary, the clinical significance of the variant is uncertain.